The following is an entry in ClinVar:

NM_000092.5(COL4A4):c.2766G>C (p.Lys922Asn)

Gene: COL4A4 (collagen type IV alpha 4 chain; minus strand). Cytogenetic location: 2q36.3.
Variant type: single nucleotide variant.
Coding change: c.2766G>C on transcript NM_000092.5 (MANE Select); coding-DNA position 2766, G replaced by C.
Protein change: p.Lys922Asn; replaces lysine 922 with asparagine.
Molecular consequence: missense variant.
Genome position (GRCh38, 1-based): chr2:227,054,688, C>G on the plus strand (G>C on the coding strand, the complement: COL4A4 is on the minus strand). VCF-style: chr2-227054688-C-G. GRCh37 (hg19) VCF-style: chr2-227919404-C-G.
Other names: short protein forms K922N.
Identifiers: ClinVar variation 2039978 (VCV002039978.5), dbSNP rs377626576, ClinGen allele CA350840243.

ClinVar aggregate classification (germline): Uncertain significance. Review status: criteria provided, multiple submitters, no conflicts (2 of 4 stars). 2 submissions from 2 submitters: Uncertain significance (2). Last evaluated 2025-04-13.

Conditions:
Inborn genetic diseases. Identifiers: MedGen C0950123, MeSH D030342.

Submissions (2):

Ambry Genetics
Classification: Uncertain significance for Inborn genetic diseases. Last evaluated: 2025-04-13. Review status: criteria provided, single submitter. Criteria: Ambry Variant Classification Scheme 2023. Collection method: clinical testing. Allele origin: germline.

Labcorp Genetics (formerly Invitae), Labcorp
Classification: Uncertain significance. Last evaluated: 2022-04-16. Review status: criteria provided, single submitter. Criteria: Invitae Variant Classification Sherloc (09022015). Collection method: clinical testing. Allele origin: germline.
Comment: In summary, the available evidence is currently insufficient to determine the role of this variant in disease. Therefore, it has been classified as a Variant of Uncertain Significance. Advanced modeling of protein sequence and biophysical properties (such as structural, functional, and spatial information, amino acid conservation, physicochemical variation, residue mobility, and thermodynamic stability) performed at Invitae indicates that this missense variant is not expected to disrupt COL4A4 protein function. This variant has not been reported in the literature in individuals affected with COL4A4-related conditions. This variant is not present in population databases (gnomAD no frequency). This sequence change replaces lysine, which is basic and polar, with asparagine, which is neutral and polar, at codon 922 of the COL4A4 protein (p.Lys922Asn).